The following is an entry in ClinVar:

NM_003072.5(SMARCA4):c.4232G>A (p.Arg1411Gln)

Gene: SMARCA4 (SWI/SNF related BAF chromatin remodeling complex subunit ATPase 4; plus strand). Cytogenetic location: 19p13.2.
Variant type: single nucleotide variant.
Coding change: c.4232G>A on transcript NM_003072.5 (MANE Select); coding-DNA position 4232, G replaced by A.
Protein change: p.Arg1411Gln; replaces arginine 1411 with glutamine.
Molecular consequence: missense variant. On other transcripts: non-coding transcript variant (1).
Genome position (GRCh38, 1-based): chr19:11,041,368, G>A. VCF-style: chr19-11041368-G-A. GRCh37 (hg19) VCF-style: chr19-11152044-G-A.
Other names: p.Arg1443Gln; c.4232G>A, p.Arg1411Gln (NM_001128844.3); c.4142G>A, p.Arg1381Gln (NM_001128845.2, NM_001128846.2); c.4133G>A, p.Arg1378Gln (NM_001128847.4, NM_001128848.2, NM_001374457.1); c.4328G>A, p.Arg1443Gln (NM_001128849.3, NM_001387283.1); c.4328G>A (NM_001128849.2); short protein forms R1443Q, R1378Q, R1381Q, R1411Q.
Identifiers: ClinVar variation 328039 (VCV000328039.27), dbSNP rs886054155, ClinGen allele CA10642189.

ClinVar aggregate classification (germline): Conflicting classifications of pathogenicity. Review status: criteria provided, conflicting classifications (1 of 4 stars). 7 submissions from 7 submitters: Uncertain significance (5); Likely benign (1). 1 of the submissions does not count toward it. Last evaluated 2025-12-01.

Conditions:
Obesity. Also called: Obesity disorder. Identifiers: Orphanet 71529, MedGen C0028754, MeSH D009765, MONDO:0011122, HP:0001513.
intellectual deficiency. Identifiers: MedGen CN228659.
Hereditary cancer-predisposing syndrome. Also called: Hereditary neoplastic syndrome; Neoplastic Syndromes, Hereditary; Tumor predisposition; Hereditary Cancer Syndrome. Identifiers: Orphanet 140162, MedGen C0027672, MeSH D009386, MONDO:0015356.
Intellectual disability, autosomal dominant 16 (CSS4). Also called: COFFIN-SIRIS SYNDROME 4. Identifiers: Orphanet 1465, MedGen C3553249, MONDO:0013821, OMIM 614609.
Rhabdoid tumor predisposition syndrome 2 (RTPS2). Identifiers: Orphanet 231108, Orphanet 69077, MedGen C2750074, MONDO:0013224, OMIM 613325.

Allele frequency attached by ClinVar (database versions not stated): gnomAD exomes below 0.00001 and 0.00001; gnomAD 0.00001; TOPMed 0.00002.
gnomAD v4.1: 13 of 1,612,556 alleles (0.00081%); highest among the groups gnomAD compares: East Asian, 0.0022%; no homozygotes.

Submissions (7):

Labcorp Genetics (formerly Invitae), Labcorp
Classification: Uncertain significance for Rhabdoid tumor predisposition syndrome 2. Last evaluated: 2025-12-01. Review status: criteria provided, single submitter. Criteria: Invitae Variant Classification Sherloc (09022015). Collection method: clinical testing. Allele origin: germline.
Comment: This sequence change replaces arginine, which is basic and polar, with glutamine, which is neutral and polar, at codon 1443 of the SMARCA4 protein (p.Arg1443Gln). The frequency data for this variant in the population databases is considered unreliable, as metrics indicate poor data quality at this position in the gnomAD database. This variant has not been reported in the literature in individuals affected with SMARCA4-related conditions. ClinVar contains an entry for this variant (Variation ID: 328039). Invitae Evidence Modeling of protein sequence and biophysical properties (such as structural, functional, and spatial information, amino acid conservation, physicochemical variation, residue mobility, and thermodynamic stability) indicates that this missense variant is not expected to disrupt SMARCA4 protein function with a negative predictive value of 80%. In summary, the available evidence is currently insufficient to determine the role of this variant in disease. Therefore, it has been classified as a Variant of Uncertain Significance.

Mayo Clinic Laboratories, Mayo Clinic
Classification: Uncertain significance. Last evaluated: 2025-11-23. Review status: criteria provided, single submitter. Criteria: ACMG Guidelines, 2015. Collection method: clinical testing. Allele origin: germline. Observed: 1 variant allele.

GeneDx
Classification: Uncertain significance. Last evaluated: 2025-06-17. Review status: criteria provided, single submitter. Criteria: GeneDx Variant Classification Process June 2021. Collection method: clinical testing. Allele origin: germline. Affected: yes.
Comment: In silico analysis suggests that this missense variant does not alter protein structure/function; Reported as de novo in an individual with a neurodevelopmental disorder in published literature, but additional clinical information was not included (PMID: 37500730); Published functional studies suggest a damaging effect: reduction of chromatin-remodeling activity compared to wild-type (PMID: 33053319); Also known as R1411Q; This variant is associated with the following publications: (PMID: 37500730, 33053319)

Ambry Genetics
Classification: Likely benign for Hereditary cancer-predisposing syndrome. Last evaluated: 2024-03-24. Review status: criteria provided, single submitter. Criteria: Ambry Variant Classification Scheme 2023. Collection method: clinical testing. Allele origin: germline.

Baylor Genetics
Classification: Uncertain significance for Rhabdoid tumor predisposition syndrome 2. Last evaluated: 2023-07-28. Review status: criteria provided, single submitter. Criteria: ACMG Guidelines, 2015. Collection method: clinical testing. Allele origin: unknown.

Genome-Nilou Lab
Classification: Uncertain significance for Intellectual disability, autosomal dominant 16. Last evaluated: 2021-07-15. Review status: criteria provided, single submitter. Criteria: ACMG Guidelines, 2015. Collection method: clinical testing. Allele origin: germline. Affected: no.

Laboratory of Molecular Genetics, CHU Rennes
Classification: Uncertain significance for Intellectual deficiency; obesity. Review status: no assertion criteria provided. Collection method: clinical testing. Allele origin: de novo. Affected: yes. Not counted in ClinVar's aggregate classification.